The following is an entry in ClinVar:

ClinVar aggregate classification (germline): Conflicting classifications of pathogenicity. Review status: criteria provided, conflicting classifications (1 of 4 stars). 5 submissions from 5 submitters: Likely pathogenic (1); Uncertain significance (4). Last evaluated 2024-12-27.

Conditions:
Congenital myotonia, autosomal dominant form (THD). Also called: THOMSEN DISEASE; Myotonia congenita autosomal dominant. Identifiers: Orphanet 614, MedGen C2936781, MONDO:0008055, OMIM 160800.

Allele frequency attached by ClinVar (database versions not stated): gnomAD exomes below 0.00001.
gnomAD v4.1: 5 of 1,604,530 alleles (0.00031%); highest among the groups gnomAD compares: Non-Finnish European, 0.00043%; no homozygotes.

Submissions (5):

Women's Health and Genetics/Laboratory Corporation of America, LabCorp
Classification: Uncertain significance. Last evaluated: 2024-12-27. Review status: criteria provided, single submitter. Criteria: LabCorp Variant Classification Summary - May 2015. Collection method: clinical testing. Allele origin: germline.
Comment: Variant summary: CLCN1 c.1568G>T (p.Gly523Val) results in a non-conservative amino acid change in the encoded protein sequence. Three of five in-silico tools predict a damaging effect of the variant on protein function. The variant allele was found at a frequency of 4e-06 in 251376 control chromosomes (gnomAD). The available data on variant occurrences in the general population are insufficient to allow any conclusion about variant significance. c.1568G>T has been reported in the literature in an individual affected with Myotonia congenita (Stunnenberg_2018). These data do not allow any conclusion about variant significance. To our knowledge, no experimental evidence demonstrating an impact on protein function has been reported. The following publication has been ascertained in the context of this evaluation (PMID: 29606556). ClinVar contains an entry for this variant (Variation ID: 983062). Based on the evidence outlined above, the variant was classified as uncertain significance.

MGZ Medical Genetics Center
Classification: Uncertain significance for Congenital myotonia, autosomal dominant form. Last evaluated: 2022-03-03. Review status: criteria provided, single submitter. Criteria: ACMG Guidelines, 2015. Collection method: clinical testing. Allele origin: germline. Affected: yes. Observed: 1 variant allele.
Comment: ACMG criteria applied: PM5, PM2_SUP, PP3

Revvity Omics, Revvity
Classification: Uncertain significance. Last evaluated: 2021-08-04. Review status: criteria provided, single submitter. Criteria: ACMG Guidelines, 2015. Collection method: clinical testing. Allele origin: germline.

Athena Diagnostics
Classification: Uncertain significance. Last evaluated: 2020-11-03. Review status: criteria provided, single submitter. Criteria: Athena Diagnostics criteria. Collection method: clinical testing. Allele origin: unknown.

Institute of Human Genetics, University of Leipzig Medical Center
Classification: Likely pathogenic for Congenital myotonia, autosomal dominant form. Last evaluated: 2019-01-01. Review status: criteria provided, single submitter. Criteria: ACMG Guidelines, 2015. Collection method: clinical testing. Allele origin: de novo. Affected: yes.
Comment: This variant was identified as de novo.

Literature cited by the submitters: PubMed 29606556 (cited by Women's Health and Genetics/Laboratory Corporation of America, LabCorp and Athena Diagnostics).

NM_000083.3(CLCN1):c.1568G>T (p.Gly523Val)

Gene: CLCN1 (chloride voltage-gated channel 1; plus strand). Cytogenetic location: 7q34.
Variant type: single nucleotide variant.
Coding change: c.1568G>T on transcript NM_000083.3 (MANE Select); coding-DNA position 1568, G replaced by T.
Protein change: p.Gly523Val; replaces glycine 523 with valine.
Molecular consequence: missense variant. On other transcripts: non-coding transcript variant (1).
Genome position (GRCh38, 1-based): chr7:143,339,607, G>T. VCF-style: chr7-143339607-G-T. GRCh37 (hg19) VCF-style: chr7-143036700-G-T.
Other names: short protein forms G523V.
Identifiers: ClinVar variation 983062 (VCV000983062.8), dbSNP rs1460714146, ClinGen allele CA369645934.